The following is an entry in ClinVar:

ClinVar aggregate classification (germline): Uncertain significance (1 of 4 stars; one submission).

gnomAD v4.1: 2 of 1,606,594 alleles (0.00012%); highest among the groups gnomAD compares: Non-Finnish European, 0.00017%; no homozygotes.

Submission:

Labcorp Genetics (formerly Invitae), Labcorp
Classification: Uncertain significance. Last evaluated: 2023-08-28. Review status: criteria provided, single submitter. Criteria: Invitae Variant Classification Sherloc (09022015). Collection method: clinical testing. Allele origin: germline.
Comment: This sequence change replaces proline, which is neutral and non-polar, with histidine, which is basic and polar, at codon 969 of the COL18A1 protein (p.Pro969His). In summary, the available evidence is currently insufficient to determine the role of this variant in disease. Therefore, it has been classified as a Variant of Uncertain Significance. Experimental studies and prediction algorithms are not available or were not evaluated, and the functional significance of this variant is currently unknown. ClinVar contains an entry for this variant (Variation ID: 1955117). This variant has not been reported in the literature in individuals affected with COL18A1-related conditions. This variant is not present in population databases (gnomAD no frequency).

NM_001379500.1(COL18A1):c.2915C>A (p.Pro972His)

Genes: COL18A1 (collagen type XVIII alpha 1 chain; plus strand), SLC19A1 (solute carrier family 19 member 1; minus strand). Cytogenetic location: 21q22.3.
Variant type: single nucleotide variant.
Coding change: c.2915C>A on transcript NM_001379500.1 (MANE Select); coding-DNA position 2915, C replaced by A.
Protein change: p.Pro972His; replaces proline 972 with histidine.
Molecular consequence: missense variant.
Genome position (GRCh38, 1-based): chr21:45,505,180, C>A. VCF-style: chr21-45505180-C-A. GRCh37 (hg19) VCF-style: chr21-46925094-C-A.
Other names: c.3446C>A, p.Pro1149His (NM_030582.4); c.4151C>A, p.Pro1384His (NM_130444.3); short protein forms P1149H, P1384H, P972H.
Identifiers: ClinVar variation 1955117 (VCV001955117.3), dbSNP rs753905674, ClinGen allele CA410499460.
Genomic context (GRCh38, chr21:45,505,180, plus strand): 5'-GTCGCCGTCCGTAGGGTCCCAAGGGAGAGAGCATCCGGGGCCAGCCCGGCCCACCTGGAC[C>A]TCAGGGACCCCCCGGCATCGGCTACGAGGGGCGCCAGGGCCCTCCCGGCCCCCCAGGCCC-3'
Protein context (NP_001366429.1, residues 962-982): SIRGQPGPPG[Pro972His]QGPPGIGYEG